The following is an entry in ClinVar:

NM_001077706.3(ECT2L):c.1579G>A (p.Glu527Lys)

Gene: ECT2L (epithelial cell transforming 2 like; plus strand). Cytogenetic location: 6q24.1.
Variant type: single nucleotide variant.
Coding change: c.1579G>A on transcript NM_001077706.3 (MANE Select); coding-DNA position 1579, G replaced by A.
Protein change: p.Glu527Lys; replaces glutamic acid 527 with lysine.
Molecular consequence: missense variant.
Genome position (GRCh38, 1-based): chr6:138,876,472, G>A. VCF-style: chr6-138876472-G-A. GRCh37 (hg19) VCF-style: chr6-139197609-G-A.
Other names: c.1579G>A, p.Glu527Lys (NM_001195037.2); short protein forms E527K.
Identifiers: ClinVar variation 133990 (VCV000133990.1), dbSNP rs1529151, ClinGen allele CA158350.

ClinVar aggregate classification (germline): not provided (0 of 4 stars; one submission).

Allele frequency attached by ClinVar (database versions not stated): TOPMed 0.24878; gnomAD 0.25392 and 0.25864; ESP Exome Variant Server 0.26691; 1000 Genomes Project 30x 0.26952; 1000 Genomes Project 0.27616; gnomAD exomes 0.27790 and 0.29902; ExAC 0.28764.
gnomAD v4.1: 473,307 of 1,604,820 alleles (29%); highest among the groups gnomAD compares: South Asian, 40%; 72,264 homozygotes.

Submission:

ITMI
No classification provided. Condition: AllHighlyPenetrant. Last evaluated: 2013-09-19. Review status: no classification provided. Collection method: reference population. Allele origin: germline.
Comment: Please see associated publication for description of ethnicities

Literature cited by the submitters: PubMed 24728327.